The following is an entry in ClinVar:

ClinVar aggregate classification (germline): Conflicting classifications of pathogenicity. Review status: criteria provided, conflicting classifications (1 of 4 stars). 5 submissions from 5 submitters: Likely pathogenic (2); Uncertain significance (3). Last evaluated 2024-07-10.

Conditions:
Ullrich congenital muscular dystrophy. Also called: Ullrich Congenital Muscular Dystrophy (UCMD); Ullrich muscular dystrophy. Identifiers: Orphanet 75840, MedGen C4551860, MONDO:0000355.
Inborn genetic diseases. Identifiers: MedGen C0950123, MeSH D030342.
Bethlem myopathy 2 (BTHLM2). Identifiers: Orphanet 536516, Orphanet 610, MedGen C4225313, MONDO:0034022, OMIM 616471.
Ullrich congenital muscular dystrophy 2 (UCMD2). Identifiers: Orphanet 75840, MedGen C4225314, MONDO:0014654, OMIM 616470.

Allele frequency attached by ClinVar (database versions not stated): gnomAD below 0.00001 and 0.00001; TOPMed 0.00001; gnomAD exomes 0.00002 and 0.00003; ExAC 0.00003.
gnomAD v4.1: 29 of 1,613,776 alleles (0.0018%); highest among the groups gnomAD compares: South Asian, 0.021%; 1 homozygote.

Submissions (5):

Labcorp Genetics (formerly Invitae), Labcorp
Classification: Uncertain significance for Bethlem myopathy 2; Ullrich congenital muscular dystrophy 2. Last evaluated: 2024-07-10. Review status: criteria provided, single submitter. Criteria: Invitae Variant Classification Sherloc (09022015). Collection method: clinical testing. Allele origin: germline.
Comment: This sequence change replaces asparagine, which is neutral and polar, with serine, which is neutral and polar, at codon 1763 of the COL12A1 protein (p.Asn1763Ser). This variant is present in population databases (rs755536829, gnomAD 0.02%). This variant has not been reported in the literature in individuals affected with COL12A1-related conditions. ClinVar contains an entry for this variant (Variation ID: 522655). Advanced modeling of protein sequence and biophysical properties (such as structural, functional, and spatial information, amino acid conservation, physicochemical variation, residue mobility, and thermodynamic stability) performed at Invitae indicates that this missense variant is not expected to disrupt COL12A1 protein function with a negative predictive value of 80%. In summary, the available evidence is currently insufficient to determine the role of this variant in disease. Therefore, it has been classified as a Variant of Uncertain Significance.

Payam Genetics Center, General Welfare Department of North Khorasan Province
Classification: Likely pathogenic for Ullrich congenital muscular dystrophy. Last evaluated: 2023-03-01. Review status: criteria provided, single submitter. Criteria: ACMG Guidelines, 2015. Collection method: clinical testing. Allele origin: germline. Affected: no. Observed: 1 variant allele.

Ambry Genetics
Classification: Uncertain significance for Inborn genetic diseases. Last evaluated: 2021-08-12. Review status: criteria provided, single submitter. Criteria: Ambry Variant Classification Scheme 2023. Collection method: clinical testing. Allele origin: germline.

Department of Pathology and Laboratory Medicine, Sinai Health System
Classification: Uncertain significance for Bethlem myopathy 2. Last evaluated: 2020-06-23. Review status: criteria provided, single submitter. Criteria: ACMG Guidelines, 2015. Collection method: research. Allele origin: germline.

Genomic Research Center, Shahid Beheshti University of Medical Sciences
Classification: Likely pathogenic for Ullrich congenital muscular dystrophy 2. Last evaluated: 2017-12-03. Review status: criteria provided, single submitter. Criteria: ACMG Guidelines, 2015. Collection method: clinical testing. Allele origin: inherited.

NM_004370.6(COL12A1):c.5288A>G (p.Asn1763Ser)

Gene: COL12A1 (collagen type XII alpha 1 chain; minus strand). Cytogenetic location: 6q13.
Variant type: single nucleotide variant.
Coding change: c.5288A>G on transcript NM_004370.6 (MANE Select); coding-DNA position 5288, A replaced by G.
Protein change: p.Asn1763Ser; replaces asparagine 1763 with serine.
Molecular consequence: missense variant.
Genome position (GRCh38, 1-based): chr6:75,137,543, T>C on the plus strand (A>G on the coding strand, the complement: COL12A1 is on the minus strand). VCF-style: chr6-75137543-T-C. GRCh37 (hg19) VCF-style: chr6-75847259-T-C.
Other names: c.1796A>G, p.Asn599Ser (NM_080645.3); short protein forms N1763S, N599S.
Identifiers: ClinVar variation 522655 (VCV000522655.14), dbSNP rs755536829, ClinGen allele CA3893172.